The following is an entry in ClinVar:

ClinVar aggregate classification (germline): Uncertain significance (1 of 4 stars; one submission).

Conditions:
Hereditary cancer-predisposing syndrome. Also called: Neoplastic Syndromes, Hereditary; Tumor predisposition; Hereditary neoplastic syndrome; Hereditary Cancer Syndrome. Identifiers: Orphanet 140162, MedGen C0027672, MeSH D009386, MONDO:0015356.

Submission:

Ambry Genetics
Classification: Uncertain significance for Hereditary cancer-predisposing syndrome. Last evaluated: 2026-08-27. Review status: criteria provided, single submitter. Criteria: Ambry Variant Classification Scheme 2023. Collection method: clinical testing. Allele origin: germline.
Comment: The p.T1429R variant (also known as c.4286C>G), located in coding exon 28 of the ATM gene, results from a C to G substitution at nucleotide position 4286. The threonine at codon 1429 is replaced by arginine, an amino acid with similar properties. This amino acid position is well conserved in available vertebrate species. In addition, the in silico prediction for this alteration is inconclusive. Based on the available evidence, the clinical significance of this variant remains unclear.

NM_000051.4(ATM):c.4286C>G (p.Thr1429Arg)

Gene: ATM (ATM serine/threonine kinase; plus strand). Cytogenetic location: 11q22.3.
Variant type: single nucleotide variant.
Coding change: c.4286C>G on transcript NM_000051.4 (MANE Select); coding-DNA position 4286, C replaced by G.
Protein change: p.Thr1429Arg; replaces threonine 1429 with arginine.
Molecular consequence: missense variant.
Genome position (GRCh38, 1-based): chr11:108,289,651, C>G. VCF-style: chr11-108289651-C-G. GRCh37 (hg19) VCF-style: chr11-108160378-C-G.
Other names: c.4286C>G, p.Thr1429Arg (NM_001351834.2); short protein forms T1429R.
Identifiers: ClinVar variation 5032317 (VCV005032317.1).